The following is an entry in ClinVar:

ClinVar aggregate classification (germline): Uncertain significance (1 of 4 stars; one submission).

Conditions:
Hereditary cancer-predisposing syndrome. Also called: Tumor predisposition; Neoplastic Syndromes, Hereditary; Hereditary neoplastic syndrome; Hereditary Cancer Syndrome. Identifiers: Orphanet 140162, MedGen C0027672, MeSH D009386, MONDO:0015356.

Submission:

Ambry Genetics
Classification: Uncertain significance for Hereditary cancer-predisposing syndrome. Last evaluated: 2025-08-27. Review status: criteria provided, single submitter. Criteria: Ambry Variant Classification Scheme 2023. Collection method: clinical testing. Allele origin: germline.
Comment: The p.K520N variant (also known as c.1560A>T), located in coding exon 16 of the MUTYH gene, results from an A to T substitution at nucleotide position 1560. The lysine at codon 520 is replaced by asparagine, an amino acid with similar properties. This amino acid position is conserved. In addition, this alteration is predicted to be tolerated by in silico analysis. Based on the available evidence, the clinical significance of this variant remains unclear.

NM_001048174.2(MUTYH):c.1476A>T (p.Lys492Asn)

Gene: MUTYH (mutY DNA glycosylase; minus strand). Cytogenetic location: 1p34.1.
Variant type: single nucleotide variant.
Coding change: c.1476A>T on transcript NM_001048174.2 (MANE Select); coding-DNA position 1476, A replaced by T.
Protein change: p.Lys492Asn; replaces lysine 492 with asparagine.
Molecular consequence: missense variant. On other transcripts: non-coding transcript variant (7).
Genome position (GRCh38, 1-based): chr1:45,329,396, T>A on the plus strand (A>T on the coding strand, the complement: MUTYH is on the minus strand). VCF-style: chr1-45329396-T-A. GRCh37 (hg19) VCF-style: chr1-45795068-T-A.
Other names: c.1476A>T, p.Lys492Asn (NM_001048171.2, NM_001048173.2, NM_001293195.2 and 6 more transcripts); c.1479A>T, p.Lys493Asn (NM_001048172.2, NM_001407071.1, NM_001407086.1 and 1 more transcripts); c.1560A>T, p.Lys520Asn (NM_001128425.2); c.1521A>T, p.Lys507Asn (NM_001293190.2); c.1509A>T, p.Lys503Asn (NM_001293191.2, NM_001407069.1, NM_001407077.1); c.1200A>T, p.Lys400Asn (NM_001293192.2, NM_001293196.2, NM_001407091.1); c.1131A>T, p.Lys377Asn (NM_001350650.2, NM_001350651.2, NM_001407082.1); c.1392A>T, p.Lys464Asn (NM_001407075.1); and 5 more; short protein forms K464N, K492N, K506N, K517N, K520N, K377N, K479N, K507N.
Identifiers: ClinVar variation 4113365 (VCV004113365.1).